The following is an entry in ClinVar:

NM_000552.5(VWF):c.4247T>C (p.Ile1416Thr)

Gene: VWF (von Willebrand factor; minus strand). Cytogenetic location: 12p13.31.
Variant type: single nucleotide variant.
Coding change: c.4247T>C on transcript NM_000552.5 (MANE Select); coding-DNA position 4247, T replaced by C.
Protein change: p.Ile1416Thr; replaces isoleucine 1416 with threonine.
Molecular consequence: missense variant.
Genome position (GRCh38, 1-based): chr12:6,019,171, A>G on the plus strand (T>C on the coding strand, the complement: VWF is on the minus strand). VCF-style: chr12-6019171-A-G. GRCh37 (hg19) VCF-style: chr12-6128337-A-G.
Other names: short protein forms I1416T.
Identifiers: ClinVar variation 439338 (VCV000439338.15), dbSNP rs61750081, ClinGen allele CA383503536.

ClinVar aggregate classification (germline): Conflicting classifications of pathogenicity. Review status: criteria provided, conflicting classifications (1 of 4 stars). 10 submissions from 10 submitters: Pathogenic (7); Likely pathogenic (2); Uncertain significance (1). Last evaluated 2026-10-09.

Conditions:
von Willebrand disorder (VWD). Also called: von Willebrand Diseases; Von Willebrand disease (hereditary or acquired); von Willebrand's disease. Identifiers: MedGen C0042974, MeSH D014842, MONDO:0024574.
von Willebrand disease type 1 (VWD1). Also called: VWD, TYPE 1; VON WILLEBRAND DISEASE, TYPE I. Identifiers: Orphanet 166078, Orphanet 903, MedGen C1264039, MONDO:0008668, OMIM 193400. Inheritance: autosomal recessive or autosomal dominant.
von Willebrand disease type 3 (VWD3). Also called: Type 3 Von Willebrand's disease; Type 3 VWD; Von Willebrand disease, severe form; V WD3; VON WILLEBRAND DISEASE, TYPE III. Identifiers: Orphanet 166096, MedGen C1264041, MONDO:0010191, OMIM 277480.
von Willebrand disease type 2 (VWD2). Also called: VWD, TYPE 2; VON WILLEBRAND DISEASE, TYPE 2A/IIE; VON WILLEBRAND DISEASE, TYPE 2CB; VON WILLEBRAND DISEASE, TYPE II. Identifiers: Orphanet 166081, Orphanet 903, MedGen C1264040, MONDO:0013304, OMIM 613554.
Hereditary von Willebrand disease. Identifiers: Orphanet 903, MedGen C5703318, MONDO:0019565. Inheritance: Autosomal recessive or Autosomal dominant.

Allele frequency attached by ClinVar (database versions not stated): TOPMed below 0.00001; gnomAD exomes below 0.00001.
gnomAD v4.1: 7 of 1,613,870 alleles (0.00043%); highest among the groups gnomAD compares: Non-Finnish European, 0.00059%; no homozygotes.

Submissions (10):

North West Genomic Laboratory Hub, Manchester University NHS Foundation Trust
Classification: Pathogenic for von Willebrand disease. Last evaluated: 2026-10-09. Review status: criteria provided, single submitter. Criteria: ACGS Best Practice Guidelines for Variant Classification in Rare Disease 2024. Collection method: clinical testing. Allele origin: germline. Affected: yes.
Comment: PP1_Str PP4_Mod PP3_Supp PS3_Supp PS4_Str

Victorian Clinical Genetics Services, Murdoch Childrens Research Institute
Classification: Pathogenic for von Willebrand disease type 2. Last evaluated: 2026-05-21. Review status: criteria provided, single submitter. Criteria: ACMG Guidelines, 2015. Collection method: clinical testing. Allele origin: germline. Affected: yes.
Comment: This variant is classified as Pathogenic. Evidence in support of pathogenic classification: Variant is present in gnomAD <0.01 (v4: 7 heterozygote(s), 0 homozygote(s)); This variant has strong previous evidence of pathogenicity in unrelated individuals. This variant has been classified as likely pathogenic/pathogenic by multiple clinical laboratories in ClinVar. This variant has been reported in a multi-generational family in a heterozygous state in individuals with VWD type 2M. These individuals had bleeding scores and FVIII:C levels within normal ranges, while VWF:Ag was reduced (PMID: 22537243). This variant has also been reported in a VWD cohort study and observed in an individual with syndromic developmental delay and VWD (PMID: 36299619, 38843839); This variant has strong evidence for segregation with disease. This variant has been shown to segregate with disease in a multi-generational family in a heterozygous state in many individuals with VWD type 2M (PMID: 22537243); Missense variant predicted to be damaging by in silico tool(s) or highly conserved with a major amino acid change. Additional information: Variant is predicted to result in a missense amino acid change from Ile to Thr; This variant is heterozygous; This gene is associated with both recessive and dominant disease. VWD can be both dominantly and recessively inherited, and is categorised into six different types: 1 (MIM#193400), 2A, 2B, 2M, 2N (MIM#613554) and 3 (MIM#277480); Alternative amino acid change(s) at the same position are present in gnomAD (highest allele count: v4: 5 heterozygote(s), 0 homozygote(s)); Variant is located in the annotated von Willebrand factor type A domain (DECIPHER). - Dominant negative, gain of function and loss of function are known mechanisms of disease in this gene and are associated with von Willebrand disease (VWD) (OMIM, PMID: 30488424); The condition associated with this gene has incomplete penetrance (PMID: 19372260); Variants in this gene are known to have variable expressivity (PMID: 19372260).

GeneDx
Classification: Uncertain significance. Last evaluated: 2026-03-27. Review status: criteria provided, single submitter. Criteria: GeneDx Variant Classification Process June 2021. Collection method: clinical testing. Allele origin: germline.
Comment: In silico analysis suggests that this missense variant does not alter protein structure/function; This variant is associated with the following publications: (PMID: 22537243, 37647632, 36299619, 23355534, 11683782, 11154147)

Women's Health and Genetics/Laboratory Corporation of America, LabCorp
Classification: Pathogenic for von Willebrand disorder. Last evaluated: 2026-03-02. Review status: criteria provided, single submitter. Criteria: LabCorp Variant Classification Summary - May 2015. Collection method: clinical testing. Allele origin: germline.
Comment: Variant summary: VWF c.4247T>C (p.Ile1416Thr) results in a non-conservative amino acid change located in the type A1 domain (IPR002035), affecting the binding site for platelet glycoprotein Ib (amino acids 1277 -1453; UniProt) of the encoded protein sequence. Algorithms developed to predict the effect of missense changes on protein structure and function all suggest that this variant is likely to be disruptive. The variant allele was found at a frequency of 4e-06 in 251152 control chromosomes. c.4247T>C has been reported in the literature in multiple individuals in a family, who were affected with Von Willebrand Disease (McKinnon_2012). These data indicate that the variant is very likely to be associated with disease. This publication also reported experimental evidence evaluating an impact on protein function, and demonstrated significantly reduced glycoprotein Ib binding (McKinnon_2012). The following publications have been ascertained in the context of this evaluation (PMID: 22537243, 23355534, 37647632, 26986123). ClinVar contains an entry for this variant (Variation ID: 439338). Based on the evidence outlined above, the variant was classified as pathogenic.

Mayo Clinic Laboratories, Mayo Clinic
Classification: Pathogenic. Last evaluated: 2024-07-16. Review status: criteria provided, single submitter. Criteria: ACMG Guidelines, 2015. Collection method: clinical testing. Allele origin: germline. Observed: 1 variant allele.
Comment: PP1_strong, PP5, PM2, PS3, PS4_moderate

Quest Diagnostics Nichols Institute San Juan Capistrano
Classification: Pathogenic. Last evaluated: 2024-07-08. Review status: criteria provided, single submitter. Criteria: Quest Diagnostics criteria. Collection method: clinical testing. Allele origin: unknown.
Comment: The VWF c.4247T>C (p.Ile1416Thr) variant has been reported in the published literature in families with Type 2M von Willebrand disease (vWD) (PMID: 22537243 (2012), 23355534 (2013)). Published functional studies show that this variant significantly reduced glycoproteinIb (GPIb) binding (PMID: 22537243 (2012), 23355534 (2013)). The frequency of this variant in the general population, 0.000004 (1/251152 chromosomes (Genome Aggregation Database)), is uninformative in the assessment of its pathogenicity. Based on the available information, this variant is classified as pathogenic.

ARUP Laboratories, Molecular Genetics and Genomics, ARUP Laboratories
Classification: Pathogenic. Last evaluated: 2024-04-19. Review status: criteria provided, single submitter. Criteria: ARUP Molecular Germline Variant Investigation Process 2024. Collection method: clinical testing. Allele origin: germline.
Comment: The VWF c.4247T>C; p.Ile1416Thr variant (rs61750081, ClinVar Variation ID: 439338) is reported in the literature in multiple individuals affected with VWF type 2M and shown to segregate with disease (McKinnon 2012, Starke 2013). This variant is only found on one allele in the Genome Aggregation Database (v2.1.1), indicating it is not a common polymorphism. Computational analyses predict that this variant is deleterious (REVEL: 0.724). In support of these predictions, functional analyses show the variant has an impact on the normal protein function (McKinnon 2012, Starke 2013). Based on available information, this variant is considered to be pathogenic. References: McKinnon TA et al. Characterisation of von Willebrand factor A1 domain mutants I1416N and I1416T: correlation of clinical phenotype with flow-based platelet adhesion. J Thromb Haemost. 2012 Jul;10(7):1409-16. PMID: 22537243. Starke RD et al. Cellular and molecular basis of von Willebrand disease: studies on blood outgrowth endothelial cells. Blood. 2013 Apr 4;121(14):2773-84. PMID: 23355534.

Genetics and Molecular Pathology, SA Pathology
Classification: Likely pathogenic for von Willebrand disease type 2. Last evaluated: 2021-07-19. Review status: criteria provided, single submitter. Criteria: ACMG Guidelines, 2015. Collection method: clinical testing. Allele origin: germline. Affected: yes.

Illumina Laboratory Services, Illumina
Classification: Pathogenic for Hereditary von Willebrand disease. Last evaluated: 2020-11-02. Review status: criteria provided, single submitter. Criteria: ICSLVariantClassificationCriteria RUGD 01 April 2020. Collection method: clinical testing. Allele origin: unknown.
Comment: The VWF c.4247T>C (p.Ile1416Thr) variant is a missense variant that has been reported in two studies, in which it is found in a heterozygous state in 11 individuals from two families with von Willebrand disease type 2 (McKinnon et al. 2012; Starke et al. 2013). The large family reported in McKinnon et al. (2012) includes nine affected individuals across three generations. The p.Ile1416Thr variant was absent from nine control subjects. It is reported at a frequency of 0.000009 in the European (non-Finnish) population of the Genome Aggregation Database though this is based on one allele in a region of good sequence coverage so the variant is presumed to be rare. The variant is in the A1 domain of the protein, and transient transfection in HEK293T cells reduced expression by ~40% and significantly reduced GPIb-a (McKinnon et al. 2012). Another pathogenic variant, p.Ile1416Asn, is located at the same amino acid residue (McKinnon et al. 2012). Based on the collective evidence and application of the ACMG criteria, the p.Ile1416Thr variant is classified as pathogenic for von Willebrand disease.

Juno Genomics, Hangzhou Juno Genomics, Inc
Classification: Likely pathogenic for von Willebrand disease type 2; von Willebrand disease type 1; von Willebrand disease type 3. Review status: criteria provided, single submitter. Criteria: ACMG Guidelines, 2015. Collection method: clinical testing. Allele origin: germline.
Comment: Absent from controls (or at extremely low frequency if recessive) in Genome Aggregation Database.;Well-established in vitro or in vivo functional studies supportive of a damaging effect on the gene or gene product.;The prevalence of the variant in affected individuals is significantly increased compared to the prevalence in controls.;Co-segregation with disease in multiple affected family members.

Literature cited by the submitters: PubMed 30488424 (cited by Victorian Clinical Genetics Services, Murdoch Childrens Research Institute); PubMed 19372260 (cited by Victorian Clinical Genetics Services, Murdoch Childrens Research Institute); PubMed 38843839 (cited by Victorian Clinical Genetics Services, Murdoch Childrens Research Institute); PubMed 22537243 (cited by 5 submitters); PubMed 36299619 (cited by Victorian Clinical Genetics Services, Murdoch Childrens Research Institute and Mayo Clinic Laboratories, Mayo Clinic); PubMed 23355534 (cited by 4 submitters); PubMed 26986123 (cited by Women's Health and Genetics/Laboratory Corporation of America, LabCorp); PubMed 37647632 (cited by Women's Health and Genetics/Laboratory Corporation of America, LabCorp).